The following is an entry in ClinVar:

NM_138694.4(PKHD1):c.1846G>A (p.Ala616Thr)

Gene: PKHD1 (PKHD1 ciliary IPT domain containing fibrocystin/polyductin; minus strand). Cytogenetic location: 6p12.2.
Variant type: single nucleotide variant.
Coding change: c.1846G>A on transcript NM_138694.4 (MANE Select); coding-DNA position 1846, G replaced by A.
Protein change: p.Ala616Thr; replaces alanine 616 with threonine.
Molecular consequence: missense variant.
Genome position (GRCh38, 1-based): chr6:52,054,156, C>T on the plus strand (G>A on the coding strand, the complement: PKHD1 is on the minus strand). VCF-style: chr6-52054156-C-T. GRCh37 (hg19) VCF-style: chr6-51918954-C-T.
Other names: c.1846G>A, p.Ala616Thr (NM_170724.3); c.1846G>A (NM_138694.3); short protein forms A616T.
Identifiers: ClinVar variation 2885092 (VCV002885092.5), dbSNP rs769867380, ClinGen allele CA3853412.
Genomic context (GRCh38, chr6:52,054,156, plus strand): 5'-GAAAGCCGATTGTGAAGGACACAATCATCTTCAGGATCTTGTTCATGTGGCCTTTGTATG[C>T]AAGACACAGCTATGGACACCAAATAAGTCCTTCAGTTCTATTAGTGCAAGAAGCAGTCAT-3'
Protein context (NP_619639.3, residues 606-626): RLDQYTHLCL[Ala616Thr]YKGHMNKILK

ClinVar aggregate classification (germline): Conflicting classifications of pathogenicity. Review status: criteria provided, conflicting classifications (1 of 4 stars). 3 submissions from 3 submitters: Likely pathogenic (2); Uncertain significance (1). Last evaluated 2025-11-10.

Conditions:
Autosomal recessive polycystic kidney disease (ARPKD). Also called: AR polycystic kidney disease. Identifiers: Orphanet 731, Orphanet 8378, MedGen C0085548, MeSH D017044, MONDO:0009889.

Allele frequency attached by ClinVar (database versions not stated): ExAC 0.00001.
gnomAD v4.1: 11 of 1,613,926 alleles (0.00068%); highest among the groups gnomAD compares: Non-Finnish European, 0.00093%; no homozygotes.

Submissions (3):

Women's Health and Genetics/Laboratory Corporation of America, LabCorp
Classification: Uncertain significance. Last evaluated: 2025-11-10. Review status: criteria provided, single submitter. Criteria: LabCorp Variant Classification Summary - May 2015. Collection method: clinical testing. Allele origin: germline.
Comment: Variant summary: PKHD1 c.1846G>A (p.Ala616Thr) results in a non-conservative amino acid change in the encoded protein sequence. Algorithms developed to predict the effect of missense changes on protein structure and function all suggest that this variant is likely to be disruptive. The variant allele was found at a frequency of 4e-06 in 251232 control chromosomes. c.1846G>A has been observed in an individual affected with Polycystic Kidney And Hepatic Disease (Bullich_2018). These data do not allow any conclusion about variant significance. To our knowledge, no experimental evidence demonstrating an impact on protein function has been reported. The following publication have been ascertained in the context of this evaluation (PMID: 29801666). ClinVar contains an entry for this variant (Variation ID: 2885092). Based on the evidence outlined above, the variant was classified as VUS-possibly pathogenic.

GeneDx
Classification: Likely pathogenic. Last evaluated: 2024-12-23. Review status: criteria provided, single submitter. Criteria: GeneDx Variant Classification Process June 2021. Collection method: clinical testing. Allele origin: germline. Affected: yes.
Comment: Not observed at significant frequency in large population cohorts (gnomAD); In silico analysis supports that this missense variant has a deleterious effect on protein structure/function; This variant is associated with the following publications: (PMID: 29801666)

Labcorp Genetics (formerly Invitae), Labcorp
Classification: Likely pathogenic for Autosomal recessive polycystic kidney disease. Last evaluated: 2023-10-22. Review status: criteria provided, single submitter. Criteria: Invitae Variant Classification Sherloc (09022015). Collection method: clinical testing. Allele origin: germline.
Comment: This sequence change replaces alanine, which is neutral and non-polar, with threonine, which is neutral and polar, at codon 616 of the PKHD1 protein (p.Ala616Thr). This variant is present in population databases (rs769867380, gnomAD 0.0009%). This missense change has been observed in individual(s) with clinical features of PKHD1-related conditions (PMID: 29801666). In at least one individual the data is consistent with being in trans (on the opposite chromosome) from a pathogenic variant. Advanced modeling of protein sequence and biophysical properties (such as structural, functional, and spatial information, amino acid conservation, physicochemical variation, residue mobility, and thermodynamic stability) performed at Invitae indicates that this missense variant is expected to disrupt PKHD1 protein function. In summary, the currently available evidence indicates that the variant is pathogenic, but additional data are needed to prove that conclusively. Therefore, this variant has been classified as Likely Pathogenic.

Literature cited by the submitters: PubMed 29801666 (cited by Women's Health and Genetics/Laboratory Corporation of America, LabCorp and Labcorp Genetics (formerly Invitae), Labcorp).